The following is an entry in ClinVar:

Conditions:
Long QT syndrome 5 (LQT5). Identifiers: Orphanet 101016, Orphanet 768, MedGen C1867904, MONDO:0013372, OMIM 613695.

Submission:

Roden Lab, Vanderbilt University Medical Center
No classification provided (evidence only). Condition: Long QT syndrome 5. Review status: no classification provided. Collection method: in vitro. Allele origin: not applicable. Functional consequence: Effect on ion channel function.
ClinVar note: "not provided" was previously submitted as the classification for the variant. However, the classification appeared to be based only on an observation of functional data so it was converted to no classification on 2025-07-30.

NM_000219.6(KCNE1):c.102C>T (p.Ser34=)

Gene: KCNE1 (potassium voltage-gated channel subfamily E regulatory subunit 1; minus strand). Cytogenetic location: 21q22.12.
Variant type: single nucleotide variant.
Coding change: c.102C>T on transcript NM_000219.6 (MANE Select); coding-DNA position 102, C replaced by T.
Protein change: p.Ser34=; no amino-acid change (serine 34 retained).
Molecular consequence: synonymous variant.
Genome position (GRCh38, 1-based): chr21:34,449,533, G>A on the plus strand (C>T on the coding strand, the complement: KCNE1 is on the minus strand). VCF-style: chr21-34449533-G-A. GRCh37 (hg19) VCF-style: chr21-35821831-G-A.
Other names: c.102C>T, p.Ser34= (NM_001127668.4, NM_001127669.4, NM_001127670.4 and 4 more transcripts).
Identifiers: ClinVar variation 3374055 (VCV003374055.2).